The following is an entry in ClinVar:

NM_000140.5(FECH):c.343C>T (p.Arg115Ter)

Gene: FECH (ferrochelatase; minus strand). Cytogenetic location: 18q21.31.
Variant type: single nucleotide variant.
Coding change: c.343C>T on transcript NM_000140.5 (MANE Select); coding-DNA position 343, C replaced by T.
Protein change: p.Arg115Ter; replaces arginine 115 with a stop codon.
Molecular consequence: nonsense.
Genome position (GRCh38, 1-based): chr18:57,571,512, G>A on the plus strand (C>T on the coding strand, the complement: FECH is on the minus strand). VCF-style: chr18-57571512-G-A. GRCh37 (hg19) VCF-style: chr18-55238744-G-A.
Other names: c.361C>T, p.Arg121Ter (NM_001012515.4); c.343C>T, p.Arg115Ter (NM_001371094.1, NM_001374778.1); c.127C>T, p.Arg43Ter (NM_001371095.1); c.343C>T (NM_000140.3); short protein forms R115*, R121*, R43*.
Identifiers: ClinVar variation 2574562 (VCV002574562.5), dbSNP rs1198671446, ClinGen allele CA402536720.

ClinVar aggregate classification (germline): Pathogenic/Likely pathogenic. Review status: criteria provided, multiple submitters, no conflicts (2 of 4 stars). 3 submissions from 3 submitters: Pathogenic (2); Likely pathogenic (1). Last evaluated 2026-04-06.

Conditions:
FECH-related disorder. Also called: FECH-related condition.
Protoporphyria, erythropoietic, 1 (EPP1). Also called: FERROCHELATASE DEFICIENCY; HEME SYNTHETASE DEFICIENCY; Erythropoietic Protoporphyria, Autosomal Recessive. Identifiers: Orphanet 79278, MedGen C4692546, MONDO:0008319, OMIM 177000.

Allele frequency attached by ClinVar (database versions not stated): gnomAD exomes below 0.00001; TOPMed below 0.00001; gnomAD 0.00003.
gnomAD v4.1: 5 of 1,613,778 alleles (0.00031%); highest among the groups gnomAD compares: South Asian, 0.0022%; no homozygotes.

Submissions (3):

PreventionGenetics, part of Exact Sciences
Classification: Pathogenic for FECH-related condition. Last evaluated: 2026-04-06. Review status: criteria provided, single submitter. Criteria: ACMG Guidelines, 2015. Collection method: clinical testing. Allele origin: germline.
Comment: The FECH c.343C>T variant is predicted to result in premature protein termination (p.Arg115*). This variant was reported in an individual with erythropoietic protoporphyria (Henriksson et al. 1996. PubMed ID: 8601739). This variant has not been reported in a large population database (gnomAD), indicating this variant is rare. Nonsense variants in FECH are expected to be pathogenic. This variant is interpreted as pathogenic.

Labcorp Genetics (formerly Invitae), Labcorp
Classification: Pathogenic. Last evaluated: 2024-02-02. Review status: criteria provided, single submitter. Criteria: Invitae Variant Classification Sherloc (09022015). Collection method: clinical testing. Allele origin: germline.
Comment: This sequence change creates a premature translational stop signal (p.Arg115*) in the FECH gene. It is expected to result in an absent or disrupted protein product. Loss-of-function variants in FECH are known to be pathogenic (PMID: 20105171, 23016163, 23364466). This variant is not present in population databases (gnomAD no frequency). This premature translational stop signal has been observed in individual(s) with erythropoietic protoporphyria (PMID: 8601739, 33021473). ClinVar contains an entry for this variant (Variation ID: 2574562). For these reasons, this variant has been classified as Pathogenic.

Department of Human Genetics, Hannover Medical School
Classification: Likely pathogenic for Protoporphyria, erythropoietic, 1. Last evaluated: 2023-08-02. Review status: criteria provided, single submitter. Criteria: ACMG Guidelines, 2015. Collection method: clinical testing. Allele origin: germline. Inheritance: Autosomal recessive inheritance. Affected: yes.

Literature cited by the submitters: PubMed 20105171 (cited by Labcorp Genetics (formerly Invitae), Labcorp); PubMed 23016163 (cited by Labcorp Genetics (formerly Invitae), Labcorp); PubMed 23364466 (cited by Labcorp Genetics (formerly Invitae), Labcorp); PubMed 8601739 (cited by Labcorp Genetics (formerly Invitae), Labcorp); PubMed 33021473 (cited by Labcorp Genetics (formerly Invitae), Labcorp).